The following is an entry in ClinVar:

NM_001252102.2(KIF21B):c.34del (p.Ala12fs)

Gene: KIF21B (kinesin family member 21B; minus strand). Cytogenetic location: 1q32.1.
Variant type: Deletion.
Coding change: c.34del on transcript NM_001252102.2 (MANE Select); coding-DNA position 34, one base deleted (G; older notation c.34delG).
Protein change: p.Ala12fs; shifts the reading frame from alanine 12.
Molecular consequence: frameshift variant.
Genome position (GRCh38, 1-based): chr1:201,023,350, C deleted on the plus strand (G on the coding strand, the reverse complement: KIF21B is on the minus strand); the first of 2 consecutive C bases (chr1:201,023,350-201,023,351); deleting either gives the same sequence. VCF-style (leftmost placement, unchanged base first): chr1-201023349-GC-G. GRCh37 (hg19) VCF-style: chr1-200992477-GC-G.
Other names: c.34del, p.Ala12fs (NM_001252100.2, NM_001252103.2, NM_017596.4); short protein forms A12fs.
Identifiers: ClinVar variation 5017732 (VCV005017732.1).

ClinVar aggregate classification (germline): Uncertain significance (1 of 4 stars; one submission).

Submission:

GeneDx
Classification: Uncertain significance. Last evaluated: 2026-03-31. Review status: criteria provided, single submitter. Criteria: GeneDx Variant Classification Process June 2021. Collection method: clinical testing. Allele origin: germline.
Comment: Not observed at significant frequency in large population cohorts (gnomAD); Frameshift variant predicted to result in protein truncation or nonsense mediated decay in a gene or region of a gene for which loss of function is not a well-established mechanism of disease; Has not been previously published as pathogenic or benign to our knowledge